The following is an entry in ClinVar:

ClinVar aggregate classification (germline): Pathogenic (1 of 4 stars; one submission).

Conditions:
Congenital hyperammonemia, type I. Also called: Carbamoyl phosphate synthetase I deficiency disease; Carbamoyl phosphate synthetase 1 deficiency; Hyperammonemia due to carbamoyl phosphate synthetase 1 deficiency; CPS 1 deficiency; Carbamyl phosphate synthetase (CPS) deficiency; CPS I DEFICIENCY. Identifiers: Orphanet 147, MedGen C4082171, MONDO:0009376, OMIM 237300.

Allele frequency attached by ClinVar (database versions not stated): TOPMed below 0.00001.

Submission:

Labcorp Genetics (formerly Invitae), Labcorp
Classification: Pathogenic for Congenital hyperammonemia, type I. Last evaluated: 2022-08-19. Review status: criteria provided, single submitter. Criteria: Invitae Variant Classification Sherloc (09022015). Collection method: clinical testing. Allele origin: germline.
Comment: This sequence change creates a premature translational stop signal (p.Ser684*) in the CPS1 gene. It is expected to result in an absent or disrupted protein product. Loss-of-function variants in CPS1 are known to be pathogenic (PMID: 21120950). This variant is not present in population databases (gnomAD no frequency). This variant has not been reported in the literature in individuals affected with CPS1-related conditions. ClinVar contains an entry for this variant (Variation ID: 1068809). For these reasons, this variant has been classified as Pathogenic.

Literature cited by the submitters: PubMed 21120950.

NM_001875.5(CPS1):c.2051C>G (p.Ser684Ter)

Gene: CPS1 (carbamoyl-phosphate synthase 1; plus strand). Cytogenetic location: 2q34.
Variant type: single nucleotide variant.
Coding change: c.2051C>G on transcript NM_001875.5 (MANE Select); coding-DNA position 2051, C replaced by G.
Protein change: p.Ser684Ter; replaces serine 684 with a stop codon.
Molecular consequence: nonsense. On other transcripts: non-coding transcript variant (2).
Genome position (GRCh38, 1-based): chr2:210,606,800, C>G. VCF-style: chr2-210606800-C-G. GRCh37 (hg19) VCF-style: chr2-211471524-C-G.
Other names: c.2051C>G, p.Ser684Ter (NM_001122633.3, NM_001369257.1); c.2084C>G, p.Ser695Ter (NM_001369256.1); short protein forms S684*, S695*.
Identifiers: ClinVar variation 1068809 (VCV001068809.7), dbSNP rs1698929326, ClinGen allele CA350438929.